The following is an entry in ClinVar:

ClinVar aggregate classification (germline): Benign/Likely benign. Review status: criteria provided, multiple submitters, no conflicts (2 of 4 stars). 7 submissions from 7 submitters: Benign (4); Likely benign (1). 2 of the submissions do not count toward it. Last evaluated 2025-09-29.

Conditions:
Thrombocytopenia 2 (THC2). Also called: ANKRD26-Related Thrombocytopenia. Identifiers: Orphanet 268322, MedGen C1861185, MONDO:0008555, OMIM 188000.

Submissions (7):

Mayo Clinic Laboratories, Mayo Clinic
Classification: Benign. Last evaluated: 2025-09-29. Review status: criteria provided, single submitter. Criteria: ACMG Guidelines, 2015. Collection method: clinical testing. Allele origin: germline. Observed: 66 variant alleles.
Comment: BA1, BS2, BP4, BP7

Blueprint Genetics
Classification: Likely benign. Last evaluated: 2024-11-27. Review status: criteria provided, single submitter. Criteria: ACMG Guidelines, 2015. Collection method: clinical testing. Allele origin: germline.

Genomic Medicine Center of Excellence, King Faisal Specialist Hospital and Research Centre
Classification: Benign for Thrombocytopenia 2. Last evaluated: 2024-03-26. Review status: criteria provided, single submitter. Criteria: ACMG Guidelines, 2015. Collection method: clinical testing. Allele origin: germline.

Genome-Nilou Lab
Classification: Benign for Thrombocytopenia 2. Last evaluated: 2021-12-05. Review status: criteria provided, single submitter. Criteria: ACMG Guidelines, 2015. Collection method: clinical testing. Allele origin: germline. Affected: no.

GeneDx
Classification: Benign. Last evaluated: 2019-08-19. Review status: criteria provided, single submitter. Criteria: GeneDx Variant Classification Process June 2021. Collection method: clinical testing. Allele origin: germline. Affected: yes.

Genome Diagnostics Laboratory, Amsterdam University Medical Center
Classification: Benign. Review status: no assertion criteria provided. Collection method: clinical testing. Allele origin: germline. Affected: yes. Study: VKGL Data-share Consensus. Not counted in ClinVar's aggregate classification.

Laboratory of Diagnostic Genome Analysis, Leiden University Medical Center (LUMC)
Classification: Likely benign. Review status: no assertion criteria provided. Collection method: clinical testing. Allele origin: germline. Affected: yes. Study: VKGL Data-share Consensus. Not counted in ClinVar's aggregate classification.

NM_014915.3(ANKRD26):c.1986-3dup

Gene: ANKRD26 (ankyrin repeat domain 26; minus strand). Cytogenetic location: 10p12.1.
Variant type: Duplication.
Coding change: c.1986-3dup on transcript NM_014915.3 (MANE Select); 3 bases into the intron before coding-DNA position 1986, one base duplicated (T; older notation c.1986-3dupT).
Molecular consequence: intron variant.
Genome position (GRCh38, 1-based): chr10:27,044,193, A duplicated on the plus strand (T on the coding strand, the reverse complement: ANKRD26 is on the minus strand); the first of 12 consecutive A bases (chr10:27,044,193-27,044,204); duplicating any one gives the same sequence. VCF-style (leftmost placement, unchanged base first): chr10-27044192-T-TA. GRCh37 (hg19) VCF-style: chr10-27333121-T-TA.
Other names: p.?; c.1986-3dupT (NM_014915.3); c.1986-3dup (NM_014915.2); c.1983-3dup (NM_001256053.2).
Identifiers: ClinVar variation 299741 (VCV000299741.12), dbSNP rs113123391, ClinGen allele CA5448338.